The following is an entry in ClinVar:

ClinVar aggregate classification (germline): Uncertain significance (1 of 4 stars; one submission).

Conditions:
Dyskeratosis congenita. Identifiers: Orphanet 1775, MedGen C0265965, MONDO:0015780.

Submission:

Labcorp Genetics (formerly Invitae), Labcorp
Classification: Uncertain significance for Dyskeratosis congenita. Last evaluated: 2019-09-11. Review status: criteria provided, single submitter. Criteria: Invitae Variant Classification Sherloc (09022015). Collection method: clinical testing. Allele origin: germline.
Comment: This variant is not present in population databases (ExAC no frequency). This variant has not been reported in the literature in individuals with NHP2-related conditions. The current clinical and genetic evidence is not sufficient to establish whether loss-of-function variants in NHP2 cause disease. This sequence change creates a premature translational stop signal (p.Arg41Hisfs*46) in the NHP2 gene. It is expected to result in an absent or disrupted protein product. In summary, the available evidence is currently insufficient to determine the role of this variant in disease. Therefore, it has been classified as a Variant of Uncertain Significance.

NM_017838.4(NHP2):c.122_129del (p.Arg41fs)

Gene: NHP2 (NHP2 ribonucleoprotein; minus strand). Cytogenetic location: 5q35.3.
Variant type: Deletion.
Coding change: c.122_129del on transcript NM_017838.4 (MANE Select); coding-DNA positions 122 to 129, 8 bases deleted (GCCGCCTC; older notation c.122_129delGCCGCCTC).
Protein change: p.Arg41fs; shifts the reading frame from arginine 41.
Molecular consequence: frameshift variant.
Genome position (GRCh38, 1-based): chr5:178,153,689-178,153,696, GAGGCGGC deleted on the plus strand (GCCGCCTC on the coding strand, the reverse complement: NHP2 is on the minus strand); deleting any 8 consecutive bases within chr5:178,153,689-178,153,699 gives the same sequence; the c. name uses the placement nearest the transcript's 3' end. VCF-style (leftmost placement, unchanged base first): chr5-178153688-TGAGGCGGC-T. GRCh37 (hg19) VCF-style: chr5-177580689-TGAGGCGGC-T.
Other names: c.122_129del, p.Arg41fs (NM_001034833.2); short protein forms R41fs.
Identifiers: ClinVar variation 935211 (VCV000935211.7), dbSNP rs1756332858, ClinGen allele CA1139659287.